The following is an entry in ClinVar:

ClinVar aggregate classification (germline): Uncertain significance (1 of 4 stars; one submission).

Conditions:
Severe combined immunodeficiency due to CORO1A deficiency. Also called: IMMUNODEFICIENCY 8 WITH LYMPHOPROLIFERATION; Immunodeficiency 8. Identifiers: Orphanet 228003, MedGen C3809383, MONDO:0014168, OMIM 615401.

Allele frequency attached by ClinVar (database versions not stated): gnomAD exomes 0.00001 and 0.00002; TOPMed 0.00001; gnomAD 0.00002; ESP Exome Variant Server 0.00008.
gnomAD v4.1: 36 of 1,612,896 alleles (0.0022%); highest among the groups gnomAD compares: Non-Finnish European, 0.0031%; no homozygotes.

Submission:

Labcorp Genetics (formerly Invitae), Labcorp
Classification: Uncertain significance for Severe combined immunodeficiency due to CORO1A deficiency. Last evaluated: 2021-03-13. Review status: criteria provided, single submitter. Criteria: Invitae Variant Classification Sherloc (09022015). Collection method: clinical testing. Allele origin: germline.
Comment: In summary, the available evidence is currently insufficient to determine the role of this variant in disease. Therefore, it has been classified as a Variant of Uncertain Significance. Algorithms developed to predict the effect of missense changes on protein structure and function are either unavailable or do not agree on the potential impact of this missense change (SIFT: "Deleterious"; PolyPhen-2: "Benign"; Align-GVGD: "Class C0"). This variant has not been reported in the literature in individuals with CORO1A-related conditions. This variant is not present in population databases (ExAC no frequency). This sequence change replaces arginine with methionine at codon 405 of the CORO1A protein (p.Arg405Met). The arginine residue is moderately conserved and there is a moderate physicochemical difference between arginine and methionine.

NM_007074.4(CORO1A):c.1214G>T (p.Arg405Met)

Gene: CORO1A (coronin 1A; plus strand). Cytogenetic location: 16p11.2.
Variant type: single nucleotide variant.
Coding change: c.1214G>T on transcript NM_007074.4 (MANE Select); coding-DNA position 1214, G replaced by T.
Protein change: p.Arg405Met; replaces arginine 405 with methionine.
Molecular consequence: missense variant.
Genome position (GRCh38, 1-based): chr16:30,188,509, G>T. VCF-style: chr16-30188509-G-T. GRCh37 (hg19) VCF-style: chr16-30199830-G-T.
Other names: c.1214G>T, p.Arg405Met (NM_001193333.3); short protein forms R405M.
Identifiers: ClinVar variation 1401736 (VCV001401736.6), dbSNP rs369828613, ClinGen allele CA280450852.